The following is an entry in ClinVar:

ClinVar aggregate classification (germline): Likely benign. Review status: criteria provided, multiple submitters, no conflicts (2 of 4 stars). 3 submissions from 3 submitters: Likely benign (2). 1 of the submissions does not count toward it. Last evaluated 2025-03-17.

Conditions:
Bardet-Biedl syndrome (BBS). Identifiers: Orphanet 110, MedGen C0752166, MONDO:0015229.
BBS7-related disorder. Also called: BBS7-related condition.

Allele frequency attached by ClinVar (database versions not stated): ExAC 0.00004; gnomAD 0.00005; TOPMed 0.00005; ESP Exome Variant Server 0.00008; gnomAD exomes 0.00008.
gnomAD v4.1: 126 of 1,612,770 alleles (0.0078%); highest among the groups gnomAD compares: Non-Finnish European, 0.01%; no homozygotes.

Submissions (3):

Labcorp Genetics (formerly Invitae), Labcorp
Classification: Likely benign for Bardet-Biedl syndrome. Last evaluated: 2025-03-17. Review status: criteria provided, single submitter. Criteria: Invitae Variant Classification Sherloc (09022015). Collection method: clinical testing. Allele origin: germline.

Blueprint Genetics
Classification: Likely benign. Last evaluated: 2024-10-01. Review status: criteria provided, single submitter. Criteria: ACMG Guidelines, 2015. Collection method: clinical testing. Allele origin: germline.

PreventionGenetics, part of Exact Sciences
Classification: Likely benign for BBS7-related condition. Last evaluated: 2020-08-31. Review status: no assertion criteria provided. Collection method: clinical testing. Allele origin: germline. Not counted in ClinVar's aggregate classification.
Comment: This variant is classified as likely benign based on ACMG/AMP sequence variant interpretation guidelines (Richards et al. 2015 PMID: 25741868, with internal and published modifications).

NM_176824.3(BBS7):c.654T>C (p.Leu218=)

Gene: BBS7 (Bardet-Biedl syndrome 7; minus strand). Cytogenetic location: 4q27.
Variant type: single nucleotide variant.
Coding change: c.654T>C on transcript NM_176824.3 (MANE Select); coding-DNA position 654, T replaced by C.
Protein change: p.Leu218=; no amino-acid change (leucine 218 retained).
Molecular consequence: synonymous variant.
Genome position (GRCh38, 1-based): chr4:121,854,768, A>G on the plus strand (T>C on the coding strand, the complement: BBS7 is on the minus strand). VCF-style: chr4-121854768-A-G. GRCh37 (hg19) VCF-style: chr4-122775923-A-G.
Other names: c.654T>C, p.Leu218= (NM_018190.4); c.654T>C (NM_176824.2).
Identifiers: ClinVar variation 1121302 (VCV001121302.10), dbSNP rs377333596, ClinGen allele CA3064440.